The following is an entry in ClinVar:

NM_000038.6(APC):c.1477_1478del (p.Tyr493fs)

Gene: APC (APC regulator of Wnt signaling pathway; plus strand). Cytogenetic location: 5q22.2.
Variant type: Deletion.
Coding change: c.1477_1478del on transcript NM_000038.6 (MANE Select); coding-DNA positions 1477 to 1478, 2 bases deleted (TA; older notation c.1477_1478delTA).
Protein change: p.Tyr493fs; shifts the reading frame from tyrosine 493.
Molecular consequence: frameshift variant.
Genome position (GRCh38, 1-based): chr5:112,827,176-112,827,177, TA deleted. VCF-style (leftmost placement, unchanged base first): chr5-112827175-CTA-C. GRCh37 (hg19) VCF-style: chr5-112162872-CTA-C.
Other names: c.1477_1478del, p.Tyr493fs (NM_001127510.3, NM_001354895.2, NM_001407450.1); c.1423_1424del, p.Tyr475fs (NM_001127511.3); c.1531_1532del, p.Tyr511fs (NM_001354896.2, NM_001407447.1, NM_001407448.1 and 1 more transcripts); c.1507_1508del, p.Tyr503fs (NM_001354897.2); c.1402_1403del, p.Tyr468fs (NM_001354898.2); c.1393_1394del, p.Tyr465fs (NM_001354899.2); c.1354_1355del, p.Tyr452fs (NM_001354900.2); c.1300_1301del, p.Tyr434fs (NM_001354901.2, NM_001407453.1); and 11 more; short protein forms Y109fs, Y210fs, Y333fs, Y364fs, Y367fs, Y392fs, Y402fs, Y410fs.
Identifiers: ClinVar variation 2583331 (VCV002583331.2), dbSNP rs2533197144, ClinGen allele CA2582341330.

ClinVar aggregate classification (germline): Pathogenic (1 of 4 stars; one submission).

Conditions:
Familial adenomatous polyposis 1 (FAP1). Also called: POLYPOSIS, ADENOMATOUS INTESTINAL; FAMILIAL ADENOMATOUS POLYPOSIS 1, ATTENUATED. Identifiers: MedGen C2713442, MONDO:0021056, OMIM 175100. Disease mechanism: loss of function.

Submission:

Myriad Genetics, Inc.
Classification: Pathogenic for Familial adenomatous polyposis 1. Last evaluated: 2023-05-01. Review status: criteria provided, single submitter. Criteria: Myriad Autosomal Dominant, Autosomal Recessive and X-Linked Classification Criteria (2023). Collection method: clinical testing. Allele origin: unknown.
Comment: This variant is considered pathogenic. This variant creates a frameshift predicted to result in premature protein truncation.